The following is an entry in ClinVar:

NM_000521.4(HEXB):c.1227dup (p.Asp410Ter)

Gene: HEXB (hexosaminidase subunit beta; plus strand). Cytogenetic location: 5q13.3.
Variant type: Duplication.
Coding change: c.1227dup on transcript NM_000521.4 (MANE Select); coding-DNA position 1227, one base duplicated (T; older notation c.1227dupT).
Protein change: p.Asp410Ter; replaces aspartic acid 410 with a stop codon.
Molecular consequence: nonsense.
Genome position (GRCh38, 1-based): chr5:74,718,348, T duplicated; the last of 5 consecutive T bases (chr5:74,718,344-74,718,348); duplicating any one gives the same sequence. VCF-style (leftmost placement, unchanged base first): chr5-74718343-G-GT. GRCh37 (hg19) VCF-style: chr5-74014168-G-GT.
Other names: c.552dup, p.Asp185Ter (NM_001292004.2); short protein forms D410*, D185*.
Identifiers: ClinVar variation 2746443 (VCV002746443.3), dbSNP rs2478764201, ClinGen allele CA2697547217.

ClinVar aggregate classification (germline): Pathogenic (1 of 4 stars; one submission).

Conditions:
Sandhoff disease. Also called: Beta-hexosaminidase-beta-subunit deficiency; GM2 gangliosidosis, type 2; Total hexosaminidase deficiency; Sandhoff-Jatzkewitz-Pilz disease; GM2-GANGLIOSIDOSIS, TYPE II; HEXOSAMINIDASES A AND B DEFICIENCY. Identifiers: Orphanet 796, MedGen C0036161, MONDO:0010006, OMIM 268800.

Submission:

Labcorp Genetics (formerly Invitae), Labcorp
Classification: Pathogenic for Sandhoff disease. Last evaluated: 2023-07-25. Review status: criteria provided, single submitter. Criteria: Invitae Variant Classification Sherloc (09022015). Collection method: clinical testing. Allele origin: germline.
Comment: This variant is not present in population databases (gnomAD no frequency). This variant has not been reported in the literature in individuals affected with HEXB-related conditions. This sequence change creates a premature translational stop signal (p.Asp410*) in the HEXB gene. It is expected to result in an absent or disrupted protein product. Loss-of-function variants in HEXB are known to be pathogenic (PMID: 7550345, 18758829). For these reasons, this variant has been classified as Pathogenic.

Literature cited by the submitters: PubMed 7550345; PubMed 18758829.